The following is an entry in ClinVar:

ClinVar aggregate classification (germline): Uncertain significance (1 of 4 stars; one submission).

Conditions:
Ehlers-Danlos syndrome, classic type, 1 (EDSCL1). Also called: EHLERS-DANLOS SYNDROME, GRAVIS TYPE; EHLERS-DANLOS SYNDROME, SEVERE CLASSIC TYPE; Ehlers-Danlos syndrome, type 1; EDS I; Ehlers-Danlos Syndrome, Classic Type, COL5A1-Related. Identifiers: MedGen C0268335, MONDO:0019567, OMIM 130000.
Osteogenesis imperfecta type I (OI1). Also called: OI, TYPE I; OSTEOGENESIS IMPERFECTA TARDA; OSTEOGENESIS IMPERFECTA WITH BLUE SCLERAE; Osteogenesis imperfecta type 1; Lobstein's Disease; Lobstein disease. Identifiers: Orphanet 216796, Orphanet 666, MedGen C0023931, MONDO:0008146, OMIM 166200. Disease mechanism: loss of function.

Submission:

Labcorp Genetics (formerly Invitae), Labcorp
Classification: Uncertain significance for Osteogenesis imperfecta type I; Ehlers-Danlos syndrome, classic type, 1. Last evaluated: 2022-02-21. Review status: criteria provided, single submitter. Criteria: Invitae Variant Classification Sherloc (09022015). Collection method: clinical testing. Allele origin: germline.
Comment: In summary, the available evidence is currently insufficient to determine the role of this variant in disease. Therefore, it has been classified as a Variant of Uncertain Significance. Advanced modeling of protein sequence and biophysical properties (such as structural, functional, and spatial information, amino acid conservation, physicochemical variation, residue mobility, and thermodynamic stability) performed at Invitae indicates that this missense variant is not expected to disrupt COL1A2 protein function. This variant has not been reported in the literature in individuals affected with COL1A2-related conditions. This variant is not present in population databases (gnomAD no frequency). This sequence change replaces valine, which is neutral and non-polar, with alanine, which is neutral and non-polar, at codon 1301 of the COL1A2 protein (p.Val1301Ala).

NM_000089.4(COL1A2):c.3902T>C (p.Val1301Ala)

Gene: COL1A2 (collagen type I alpha 2 chain; plus strand). Cytogenetic location: 7q21.3.
Variant type: single nucleotide variant.
Coding change: c.3902T>C on transcript NM_000089.4 (MANE Select); coding-DNA position 3902, T replaced by C.
Protein change: p.Val1301Ala; replaces valine 1301 with alanine.
Molecular consequence: missense variant.
Genome position (GRCh38, 1-based): chr7:94,429,378, T>C. VCF-style: chr7-94429378-T-C. GRCh37 (hg19) VCF-style: chr7-94058690-T-C.
Other names: short protein forms V1301A.
Identifiers: ClinVar variation 2050870 (VCV002050870.4), dbSNP rs2484742004, ClinGen allele CA368227004.